The following is an entry in ClinVar:

NM_001372066.1(TFAP2A):c.452T>A (p.Ile151Asn)

Gene: TFAP2A (transcription factor AP-2 alpha; minus strand). Cytogenetic location: 6p24.3.
Variant type: single nucleotide variant.
Coding change: c.452T>A on transcript NM_001372066.1 (MANE Select); coding-DNA position 452, T replaced by A.
Protein change: p.Ile151Asn; replaces isoleucine 151 with asparagine.
Molecular consequence: missense variant.
Genome position (GRCh38, 1-based): chr6:10,409,935, A>T on the plus strand (T>A on the coding strand, the complement: TFAP2A is on the minus strand). VCF-style: chr6-10409935-A-T. GRCh37 (hg19) VCF-style: chr6-10410168-A-T.
Other names: c.428T>A, p.Ile143Asn (NM_001032280.3); c.434T>A, p.Ile145Asn (NM_001042425.3); short protein forms I143N, I145N, I151N.
Identifiers: ClinVar variation 1956629 (VCV001956629.5), dbSNP rs1206569048, ClinGen allele CA362703801.

ClinVar aggregate classification (germline): Uncertain significance (1 of 4 stars; one submission).

gnomAD v4.1: 5 of 1,556,250 alleles (0.00032%); highest among the groups gnomAD compares: Admixed American, 0.0019%; no homozygotes.

Submission:

Labcorp Genetics (formerly Invitae), Labcorp
Classification: Uncertain significance. Last evaluated: 2023-07-07. Review status: criteria provided, single submitter. Criteria: Invitae Variant Classification Sherloc (09022015). Collection method: clinical testing. Allele origin: germline.
Comment: This sequence change replaces isoleucine, which is neutral and non-polar, with asparagine, which is neutral and polar, at codon 149 of the TFAP2A protein (p.Ile149Asn). This variant is present in population databases (no rsID available, gnomAD 0.008%). This variant has not been reported in the literature in individuals affected with TFAP2A-related conditions. ClinVar contains an entry for this variant (Variation ID: 1956629). Advanced modeling of protein sequence and biophysical properties (such as structural, functional, and spatial information, amino acid conservation, physicochemical variation, residue mobility, and thermodynamic stability) performed at Invitae indicates that this missense variant is not expected to disrupt TFAP2A protein function. In summary, the available evidence is currently insufficient to determine the role of this variant in disease. Therefore, it has been classified as a Variant of Uncertain Significance.